The following is an entry in ClinVar:

NM_012213.3(MLYCD):c.642-5C>T

Gene: MLYCD (malonyl-CoA decarboxylase; plus strand). Cytogenetic location: 16q23.3.
Variant type: single nucleotide variant.
Coding change: c.642-5C>T on transcript NM_012213.3 (MANE Select); 5 bases into the intron before coding-DNA position 642, C replaced by T.
Molecular consequence: intron variant.
Genome position (GRCh38, 1-based): chr16:83,908,121, C>T. VCF-style: chr16-83908121-C-T. GRCh37 (hg19) VCF-style: chr16-83941726-C-T.
Other names: p.?.
Identifiers: ClinVar variation 95503 (VCV000095503.32), dbSNP rs2278037, ClinGen allele CA285676.
Genomic context (GRCh38, chr16:83,908,121, plus strand): 5'-AGGAGTCAGCAGCCGTTGCTTGTGAATTATGCATTTGTCTTGTCTCTTTATAAATTCCGC[C>T]CCAGGGCTGAGGCTGTGCATCCTGTAAAAAACTGGATGGACATGAAGCGCCGCGTTGGGC-3'

ClinVar aggregate classification (germline): Benign. Review status: criteria provided, multiple submitters, no conflicts (2 of 4 stars). 10 submissions from 10 submitters: Benign (8). 2 of the submissions do not count toward it. Last evaluated 2026-02-04.

Conditions:
Deficiency of malonyl-CoA decarboxylase. Also called: Malonic aciduria; MCD deficiency. Identifiers: Orphanet 943, MedGen C0342793, MONDO:0009556, OMIM 248360.

Allele frequency attached by ClinVar (database versions not stated): gnomAD exomes 0.05394 and 0.06425; ExAC 0.06416; ESP Exome Variant Server 0.06569; gnomAD 0.07299 and 0.07436; 1000 Genomes Project 30x 0.07714; 1000 Genomes Project 0.07728; TOPMed 0.07796.

Submissions (10):

Labcorp Genetics (formerly Invitae), Labcorp
Classification: Benign for Deficiency of malonyl-CoA decarboxylase. Last evaluated: 2026-02-04. Review status: criteria provided, single submitter. Criteria: Invitae Variant Classification Sherloc (09022015). Collection method: clinical testing. Allele origin: germline.

ARUP Laboratories, Molecular Genetics and Genomics, ARUP Laboratories
Classification: Benign for Deficiency of malonyl-CoA decarboxylase. Last evaluated: 2025-05-26. Review status: criteria provided, single submitter. Criteria: ARUP Molecular Germline Variant Investigation Process 2024. Collection method: clinical testing. Allele origin: germline.

Mayo Clinic Laboratories, Mayo Clinic
Classification: Benign. Last evaluated: 2025-01-06. Review status: criteria provided, single submitter. Criteria: ACMG Guidelines, 2015. Collection method: clinical testing. Allele origin: germline. Observed: 6 variant alleles.
Comment: BA1, BP4

Illumina Laboratory Services, Illumina
Classification: Benign for Deficiency of malonyl-CoA decarboxylase. Last evaluated: 2018-03-06. Review status: criteria provided, single submitter. Criteria: ICSL Variant Classification Criteria 13 December 2019. Collection method: clinical testing. Allele origin: germline.
Comment: This variant was observed in the ICSL laboratory as part of a predisposition screen in an ostensibly healthy population. It had not been previously curated by ICSL or reported in the Human Gene Mutation Database (HGMD: prior to June 1st, 2018), and was therefore a candidate for classification through an automated scoring system. Utilizing variant allele frequency, disease prevalence and penetrance estimates, and inheritance mode, an automated score was calculated to assess if this variant is too frequent to cause the disease. Based on the score and internal cut-off values, a variant classified as benign is not then subjected to further curation. The score for this variant resulted in a classification of benign for this disease.

Genome Diagnostics Laboratory, University Medical Center Utrecht
Classification: Benign for Deficiency of malonyl-CoA decarboxylase. Last evaluated: 2014-10-09. Review status: criteria provided, single submitter. Criteria: ACGS Guidelines, 2013. Collection method: clinical testing. Allele origin: germline. Affected: yes. Study: VKGL Data-share Consensus.

GeneDx
Classification: Benign. Last evaluated: 2013-10-07. Review status: criteria provided, single submitter. Criteria: GeneDx Variant Classification (06012015). Collection method: clinical testing. Allele origin: germline. Affected: yes.
Comment: This variant is considered likely benign or benign based on one or more of the following criteria: it is a conservative change, it occurs at a poorly conserved position in the protein, it is predicted to be benign by multiple in silico algorithms, and/or has population frequency not consistent with disease.

Eurofins Ntd Llc (ga)
Classification: Benign. Last evaluated: 2012-11-28. Review status: criteria provided, single submitter. Criteria: EGL Classification Definitions 2015. Collection method: clinical testing. Allele origin: germline. Observed: 3 variant alleles, 3 heterozygotes.

Breakthrough Genomics
Classification: Benign. Review status: criteria provided, single submitter. Criteria: ACMG Guidelines, 2015. Collection method: not provided. Allele origin: germline. Inheritance: Autosomal recessive inheritance. Affected: yes.

Clinical Genetics, Academic Medical Center
Classification: Benign. Review status: no assertion criteria provided. Collection method: clinical testing. Allele origin: germline. Affected: yes. Study: VKGL Data-share Consensus. Not counted in ClinVar's aggregate classification.

Diagnostic Laboratory, Department of Genetics, University Medical Center Groningen
Classification: Benign for Deficiency of malonyl-CoA decarboxylase. Review status: no assertion criteria provided. Collection method: clinical testing. Allele origin: germline. Affected: yes. Study: VKGL Data-share Consensus. Not counted in ClinVar's aggregate classification.